The following is an entry in ClinVar:

ClinVar aggregate classification (germline): Uncertain significance (1 of 4 stars; one submission).

Submission:

Mayo Clinic Laboratories, Mayo Clinic
Classification: Uncertain significance. Last evaluated: 2025-05-13. Review status: criteria provided, single submitter. Criteria: ACMG Guidelines, 2015. Collection method: clinical testing. Allele origin: germline. Observed: 1 variant allele.
Comment: BP4_moderate, PM2_supporting

NM_001365276.2(TNXB):c.718T>G (p.Ser240Ala)

Gene: TNXB (tenascin XB; minus strand). Cytogenetic location: 6p21.33.
Variant type: single nucleotide variant.
Coding change: c.718T>G on transcript NM_001365276.2 (MANE Select); coding-DNA position 718, T replaced by G.
Protein change: p.Ser240Ala; replaces serine 240 with alanine.
Molecular consequence: missense variant.
Genome position (GRCh38, 1-based): chr6:32,097,135, A>C on the plus strand (T>G on the coding strand, the complement: TNXB is on the minus strand). VCF-style: chr6-32097135-A-C. GRCh37 (hg19) VCF-style: chr6-32064912-A-C.
Other names: p.Ser240Ala; c.718T>G, p.Ser240Ala (NM_001428335.1, NM_019105.8); short protein forms S240A.
Identifiers: ClinVar variation 4541153 (VCV004541153.1).